The following is an entry in ClinVar:

ClinVar aggregate classification (germline): Uncertain significance (1 of 4 stars; one submission).

gnomAD v4.1: 12 of 1,611,192 alleles (0.00074%); highest among the groups gnomAD compares: South Asian, 0.0055%; no homozygotes.

Submission:

Labcorp Genetics (formerly Invitae), Labcorp
Classification: Uncertain significance. Last evaluated: 2024-07-26. Review status: criteria provided, single submitter. Criteria: Invitae Variant Classification Sherloc (09022015). Collection method: clinical testing. Allele origin: germline.
Comment: This sequence change replaces alanine, which is neutral and non-polar, with threonine, which is neutral and polar, at codon 288 of the IGF1R protein (p.Ala288Thr). The frequency data for this variant in the population databases is considered unreliable, as metrics indicate poor data quality at this position in the gnomAD database. This variant has not been reported in the literature in individuals affected with IGF1R-related conditions. Advanced modeling of protein sequence and biophysical properties (such as structural, functional, and spatial information, amino acid conservation, physicochemical variation, residue mobility, and thermodynamic stability) performed at Invitae indicates that this missense variant is not expected to disrupt IGF1R protein function with a negative predictive value of 80%. In summary, the available evidence is currently insufficient to determine the role of this variant in disease. Therefore, it has been classified as a Variant of Uncertain Significance.

NM_000875.5(IGF1R):c.862G>A (p.Ala288Thr)

Gene: IGF1R (insulin like growth factor 1 receptor; plus strand). Cytogenetic location: 15q26.3.
Variant type: single nucleotide variant.
Coding change: c.862G>A on transcript NM_000875.5 (MANE Select); coding-DNA position 862, G replaced by A.
Protein change: p.Ala288Thr; replaces alanine 288 with threonine.
Molecular consequence: missense variant.
Genome position (GRCh38, 1-based): chr15:98,891,546, G>A. VCF-style: chr15-98891546-G-A. GRCh37 (hg19) VCF-style: chr15-99434775-G-A.
Other names: c.862G>A, p.Ala288Thr (NM_001291858.2); short protein forms A288T.
Identifiers: ClinVar variation 3711201 (VCV003711201.2).
Genomic context (GRCh38, chr15:98,891,546, plus strand): 5'-ACCTACAGGTTTGAGGGCTGGCGCTGTGTGGACCGTGACTTCTGCGCCAACATCCTCAGC[G>A]CCGAGAGCAGCGACTCCGAGGGGTTTGTGATCCACGACGGCGAGTGCATGCAGGAGTGCC-3'
Protein context (NP_000866.1, residues 278-298): DRDFCANILS[Ala288Thr]ESSDSEGFVI